The following is an entry in ClinVar:

ClinVar aggregate classification (germline): Uncertain significance (1 of 4 stars; one submission).

gnomAD v4.1: 1 of 1,613,628 alleles (0.000062%); highest among the groups gnomAD compares: Non-Finnish European, 0.000085%; no homozygotes.

Submission:

GeneDx
Classification: Uncertain significance. Last evaluated: 2023-05-31. Review status: criteria provided, single submitter. Criteria: GeneDx Variant Classification Process June 2021. Collection method: clinical testing. Allele origin: germline. Affected: yes.
Comment: Not observed at significant frequency in large population cohorts (gnomAD); In silico analysis supports that this missense variant does not alter protein structure/function; Has not been previously published as pathogenic or benign to our knowledge

NM_031443.4(CCM2):c.1019A>G (p.Gln340Arg)

Gene: CCM2 (CCM2 scaffold protein; plus strand). Cytogenetic location: 7p13.
Variant type: single nucleotide variant.
Coding change: c.1019A>G on transcript NM_031443.4 (MANE Select); coding-DNA position 1019, A replaced by G.
Protein change: p.Gln340Arg; replaces glutamine 340 with arginine.
Molecular consequence: missense variant. On other transcripts: non-coding transcript variant (1).
Genome position (GRCh38, 1-based): chr7:45,074,373, A>G. VCF-style: chr7-45074373-A-G. GRCh37 (hg19) VCF-style: chr7-45113972-A-G.
Other names: c.1082A>G, p.Gln361Arg (NM_001029835.2); c.845A>G, p.Gln282Arg (NM_001167934.2); c.746A>G, p.Gln249Arg (NM_001167935.2); c.1142A>G, p.Gln381Arg (NM_001363458.2); c.968A>G, p.Gln323Arg (NM_001363459.2); short protein forms Q249R, Q282R, Q323R, Q340R, Q361R, Q381R.
Identifiers: ClinVar variation 3359357 (VCV003359357.1).